The following is an entry in ClinVar:

NM_002354.3(EPCAM):c.716A>C (p.Gln239Pro)

Gene: EPCAM (epithelial cell adhesion molecule; plus strand). Cytogenetic location: 2p21.
Variant type: single nucleotide variant.
Coding change: c.716A>C on transcript NM_002354.3 (MANE Select); coding-DNA position 716, A replaced by C.
Protein change: p.Gln239Pro; replaces glutamine 239 with proline.
Molecular consequence: missense variant.
Genome position (GRCh38, 1-based): chr2:47,379,827, A>C. VCF-style: chr2-47379827-A-C. GRCh37 (hg19) VCF-style: chr2-47606966-A-C.
Other names: short protein forms Q239P.
Identifiers: ClinVar variation 3845276 (VCV003845276.1).

ClinVar aggregate classification (germline): Uncertain significance (1 of 4 stars; one submission).

Conditions:
Hereditary cancer-predisposing syndrome. Also called: Hereditary neoplastic syndrome; Neoplastic Syndromes, Hereditary; Tumor predisposition; Hereditary Cancer Syndrome. Identifiers: Orphanet 140162, MedGen C0027672, MeSH D009386, MONDO:0015356.

Submission:

Ambry Genetics
Classification: Uncertain significance for Hereditary cancer-predisposing syndrome. Last evaluated: 2025-02-03. Review status: criteria provided, single submitter. Criteria: Ambry Variant Classification Scheme 2023. Collection method: clinical testing. Allele origin: germline.
Comment: The p.Q239P variant (also known as c.716A>C), located in coding exon 7 of the EPCAM gene, results from an A to C substitution at nucleotide position 716. The glutamine at codon 239 is replaced by proline, an amino acid with similar properties. This amino acid position is conserved. In addition, this alteration is predicted to be tolerated by in silico analysis. Based on the available evidence, the clinical significance of this variant remains unclear.